The following is an entry in ClinVar:

NM_177550.5(SLC13A5):c.1582A>G (p.Thr528Ala)

Gene: SLC13A5 (solute carrier family 13 member 5; minus strand). Cytogenetic location: 17p13.1.
Variant type: single nucleotide variant.
Coding change: c.1582A>G on transcript NM_177550.5 (MANE Select); coding-DNA position 1582, A replaced by G.
Protein change: p.Thr528Ala; replaces threonine 528 with alanine.
Molecular consequence: missense variant.
Genome position (GRCh38, 1-based): chr17:6,686,332, T>C on the plus strand (A>G on the coding strand, the complement: SLC13A5 is on the minus strand). VCF-style: chr17-6686332-T-C. GRCh37 (hg19) VCF-style: chr17-6589651-T-C.
Other names: c.1444A>G, p.Thr482Ala (NM_001143838.3); c.1531A>G, p.Thr511Ala (NM_001284509.2); c.1453A>G, p.Thr485Ala (NM_001284510.2); c.1582A>G (NM_177550.3); short protein forms T528A, T482A, T485A, T511A.
Identifiers: ClinVar variation 452183 (VCV000452183.27), dbSNP rs569395560, ClinGen allele CA8331312.

ClinVar aggregate classification (germline): Uncertain significance. Review status: criteria provided, multiple submitters, no conflicts (2 of 4 stars). 5 submissions from 5 submitters: Uncertain significance (5). Last evaluated 2025-12-11.

Conditions:
Inborn genetic diseases. Identifiers: MedGen C0950123, MeSH D030342.
Developmental and epileptic encephalopathy, 25 (DEE25). Also called: Epileptic encephalopathy, early infantile, 25; Developmental and epileptic encephalopathy 25, with amelogenesis imperfecta; Epileptic encephalopathy, early infantile, 25, with amelogenesis imperfecta. Identifiers: Orphanet 442835, MedGen C4014621, MONDO:0014392, OMIM 615905.

Allele frequency attached by ClinVar (database versions not stated): gnomAD 0.00004 and 0.00005; ExAC 0.00006; gnomAD exomes 0.00006; TOPMed 0.00007; 1000 Genomes Project 30x 0.00016; 1000 Genomes Project 0.00020.

Submissions (5):

Ambry Genetics
Classification: Uncertain significance for Inborn genetic diseases. Last evaluated: 2025-12-11. Review status: criteria provided, single submitter. Criteria: Ambry Variant Classification Scheme 2023. Collection method: clinical testing. Allele origin: germline.

Labcorp Genetics (formerly Invitae), Labcorp
Classification: Uncertain significance for Developmental and epileptic encephalopathy, 25. Last evaluated: 2025-11-24. Review status: criteria provided, single submitter. Criteria: Invitae Variant Classification Sherloc (09022015). Collection method: clinical testing. Allele origin: germline.
Comment: This sequence change replaces threonine, which is neutral and polar, with alanine, which is neutral and non-polar, at codon 528 of the SLC13A5 protein (p.Thr528Ala). This variant is present in population databases (rs569395560, gnomAD 0.01%). This variant has not been reported in the literature in individuals affected with SLC13A5-related conditions. ClinVar contains an entry for this variant (Variation ID: 452183). Invitae Evidence Modeling of protein sequence and biophysical properties (such as structural, functional, and spatial information, amino acid conservation, physicochemical variation, residue mobility, and thermodynamic stability) indicates that this missense variant is not expected to disrupt SLC13A5 protein function with a negative predictive value of 80%. In summary, the available evidence is currently insufficient to determine the role of this variant in disease. Therefore, it has been classified as a Variant of Uncertain Significance.

CeGaT Center for Human Genetics Tuebingen
Classification: Uncertain significance. Last evaluated: 2025-06-01. Review status: criteria provided, single submitter. Criteria: CeGaT Center For Human Genetics Tuebingen Variant Classification Criteria Version 2. Collection method: clinical testing. Allele origin: germline. Affected: yes. Observed: 2 variant alleles.
Comment: SLC13A5: PM2, BP4

GeneDx
Classification: Uncertain significance. Last evaluated: 2023-12-05. Review status: criteria provided, single submitter. Criteria: GeneDx Variant Classification Process June 2021. Collection method: clinical testing. Allele origin: germline. Affected: yes.
Comment: Not observed at significant frequency in large population cohorts (gnomAD); In silico analysis supports that this missense variant does not alter protein structure/function; Has not been previously published as pathogenic or benign to our knowledge

Genome-Nilou Lab
Classification: Uncertain significance for Developmental and epileptic encephalopathy, 25. Last evaluated: 2021-07-15. Review status: criteria provided, single submitter. Criteria: ACMG Guidelines, 2015. Collection method: clinical testing. Allele origin: germline. Affected: no.